The following is an entry in ClinVar:

NM_000327.4(ROM1):c.908G>A (p.Gly303Glu)

Gene: ROM1 (retinal outer segment membrane protein 1; plus strand). Cytogenetic location: 11q12.3.
Variant type: single nucleotide variant.
Coding change: c.908G>A on transcript NM_000327.4 (MANE Select); coding-DNA position 908, G replaced by A.
Protein change: p.Gly303Glu; replaces glycine 303 with glutamic acid.
Molecular consequence: missense variant.
Genome position (GRCh38, 1-based): chr11:62,614,691, G>A. VCF-style: chr11-62614691-G-A. GRCh37 (hg19) VCF-style: chr11-62382163-G-A.
Other names: c.908G>A (NM_000327.3); short protein forms G303E.
Identifiers: ClinVar variation 2102319 (VCV002102319.5), dbSNP rs371141320, ClinGen allele CA6049873.
Genomic context (GRCh38, chr11:62,614,691, plus strand): 5'-TCCTTGGCCTGCGGTACCTGCAAACAGCACTGGAGGGGCTTGGAGGGGTCATTGATGCGG[G>A]AGGAGAGACCCAGGGCTATCTCTTTCCCAGTGGGCTGAAAGATATGCTGAAAACAGCATG-3'
Protein context (NP_000318.2, residues 293-313): LEGLGGVIDA[Gly303Glu]GETQGYLFPS

ClinVar aggregate classification (germline): Conflicting classifications of pathogenicity. Review status: criteria provided, conflicting classifications (1 of 4 stars). 2 submissions from 2 submitters: Uncertain significance (1); Likely benign (1). Last evaluated 2025-01-18.

Allele frequency attached by ClinVar (database versions not stated): gnomAD 0.00004; TOPMed 0.00005; ESP Exome Variant Server 0.00008.

Submissions (2):

Ambry Genetics
Classification: Likely benign. Last evaluated: 2025-01-18. Review status: criteria provided, single submitter. Criteria: Ambry Variant Classification Scheme 2023. Collection method: clinical testing. Allele origin: germline.

Labcorp Genetics (formerly Invitae), Labcorp
Classification: Uncertain significance. Last evaluated: 2023-11-17. Review status: criteria provided, single submitter. Criteria: Invitae Variant Classification Sherloc (09022015). Collection method: clinical testing. Allele origin: germline.
Comment: This sequence change replaces glycine, which is neutral and non-polar, with glutamic acid, which is acidic and polar, at codon 303 of the ROM1 protein (p.Gly303Glu). This variant is present in population databases (rs371141320, gnomAD 0.008%). This variant has not been reported in the literature in individuals affected with ROM1-related conditions. ClinVar contains an entry for this variant (Variation ID: 2102319). Advanced modeling of protein sequence and biophysical properties (such as structural, functional, and spatial information, amino acid conservation, physicochemical variation, residue mobility, and thermodynamic stability) performed at Invitae indicates that this missense variant is not expected to disrupt ROM1 protein function with a negative predictive value of 80%. In summary, the available evidence is currently insufficient to determine the role of this variant in disease. Therefore, it has been classified as a Variant of Uncertain Significance.